The following is an entry in ClinVar:

NM_080680.3(COL11A2):c.1133C>T (p.Pro378Leu)

Gene: COL11A2 (collagen type XI alpha 2 chain; minus strand). Cytogenetic location: 6p21.32.
Variant type: single nucleotide variant.
Coding change: c.1133C>T on transcript NM_080680.3 (MANE Select); coding-DNA position 1133, C replaced by T.
Protein change: p.Pro378Leu; replaces proline 378 with leucine.
Molecular consequence: missense variant.
Genome position (GRCh38, 1-based): chr6:33,181,157, G>A on the plus strand (C>T on the coding strand, the complement: COL11A2 is on the minus strand). VCF-style: chr6-33181157-G-A. GRCh37 (hg19) VCF-style: chr6-33148934-G-A.
Other names: c.953C>T, p.Pro318Leu (NM_001424108.1); c.287C>T, p.Pro96Leu (NM_001424109.1); c.107C>T, p.Pro36Leu (NM_001424110.1, NM_001424111.1); c.812C>T, p.Pro271Leu (NM_080679.3); c.875C>T, p.Pro292Leu (NM_080681.3); short protein forms P271L, P378L, P96L, P292L, P36L, P318L.
Identifiers: ClinVar variation 2899559 (VCV002899559.3), dbSNP rs779618509, ClinGen allele CA363606820.

ClinVar aggregate classification (germline): Uncertain significance (1 of 4 stars; one submission).

Submission:

Labcorp Genetics (formerly Invitae), Labcorp
Classification: Uncertain significance. Last evaluated: 2024-03-27. Review status: criteria provided, single submitter. Criteria: Invitae Variant Classification Sherloc (09022015). Collection method: clinical testing. Allele origin: germline.
Comment: This sequence change replaces proline, which is neutral and non-polar, with leucine, which is neutral and non-polar, at codon 378 of the COL11A2 protein (p.Pro378Leu). This variant is not present in population databases (gnomAD no frequency). This variant has not been reported in the literature in individuals affected with COL11A2-related conditions. Advanced modeling of protein sequence and biophysical properties (such as structural, functional, and spatial information, amino acid conservation, physicochemical variation, residue mobility, and thermodynamic stability) performed at Invitae indicates that this missense variant is not expected to disrupt COL11A2 protein function with a negative predictive value of 95%. In summary, the available evidence is currently insufficient to determine the role of this variant in disease. Therefore, it has been classified as a Variant of Uncertain Significance.